The following is an entry in ClinVar:

ClinVar aggregate classification (germline): Uncertain significance (1 of 4 stars; one submission).

Submission:

Ambry Genetics
Classification: Uncertain significance. Last evaluated: 2023-06-21. Review status: criteria provided, single submitter. Criteria: Ambry Variant Classification Scheme 2023. Collection method: clinical testing. Allele origin: germline.
Comment: The p.V84G variant (also known as c.251T>G), located in coding exon 4 of the RAD54L gene, results from a T to G substitution at nucleotide position 251. The valine at codon 84 is replaced by glycine, an amino acid with dissimilar properties. This amino acid position is conserved. In addition, the in silico prediction for this alteration is inconclusive. Since supporting evidence is limited at this time, the clinical significance of this alteration remains unclear.

NM_003579.4(RAD54L):c.251T>G (p.Val84Gly)

Gene: RAD54L (RAD54 like; plus strand). Cytogenetic location: 1p34.1.
Variant type: single nucleotide variant.
Coding change: c.251T>G on transcript NM_003579.4 (MANE Select); coding-DNA position 251, T replaced by G.
Protein change: p.Val84Gly; replaces valine 84 with glycine.
Molecular consequence: missense variant. On other transcripts: 5 prime UTR variant (1).
Genome position (GRCh38, 1-based): chr1:46,258,726, T>G. VCF-style: chr1-46258726-T-G. GRCh37 (hg19) VCF-style: chr1-46724398-T-G.
Other names: c.251T>G, p.Val84Gly (NM_001142548.2); c.-290T>G (NM_001370766.1); short protein forms V84G.
Identifiers: ClinVar variation 2625146 (VCV002625146.2), dbSNP rs774234340, ClinGen allele CA340180833.